The following is an entry in ClinVar:

NC_000022.11:g.(?_28687743)_(28725367_?)del

Gene: CHEK2 (checkpoint kinase 2; minus strand). Cytogenetic location: 22q12.1.
Variant type: Deletion.
Identifiers: ClinVar variation 417603 (VCV000417603.2).

ClinVar aggregate classification (germline): Pathogenic (1 of 4 stars; one submission).

Conditions:
Familial cancer of breast. Also called: Hereditary breast cancer; BREAST CANCER, FAMILIAL; hereditary breast carcinoma. Identifiers: Orphanet 227535, MedGen C0346153, MONDO:0016419, OMIM 114480. Disease mechanism: loss of function.

Submission:

Labcorp Genetics (formerly Invitae), Labcorp
Classification: Pathogenic for Familial cancer of breast. Last evaluated: 2016-08-08. Review status: criteria provided, single submitter. Criteria: Invitae Variant Classification Sherloc (09022015). Collection method: clinical testing. Allele origin: germline.
Comment: This variant is a gross deletion of the genomic region encompassing exons 3-15 of the CHEK2 gene. The 5' boundary is likely confined to intron 2. The 3' end of this event is unknown as it extends through the termination codon beyond the assayed region for this gene and may encompass additional genes. While this deletion is not anticipated to result in nonsense mediated decay, it is expected to create a truncated CHEK2 protein. This deletion involves most of the CHEK2 protein, including the kinase domain and is expected to result in a non-functional protein (PMID: 18004398). Furthermore, smaller subgenic in-frame deletions have been reported in individuals affected with hereditary cancer (PMID: 24763289). For these reasons, this variant has been classified as Pathogenic.